The following is an entry in ClinVar:

ClinVar aggregate classification (germline): Uncertain significance (1 of 4 stars; one submission).

Submission:

Labcorp Genetics (formerly Invitae), Labcorp
Classification: Uncertain significance. Last evaluated: 2023-04-12. Review status: criteria provided, single submitter. Criteria: Invitae Variant Classification Sherloc (09022015). Collection method: clinical testing. Allele origin: germline.
Comment: This sequence change replaces leucine, which is neutral and non-polar, with proline, which is neutral and non-polar, at codon 24 of the ADGRA3 protein (p.Leu24Pro). The frequency data for this variant in the population databases is considered unreliable, as metrics indicate insufficient coverage at this position in the gnomAD database. This variant has not been reported in the literature in individuals affected with ADGRA3-related conditions. Algorithms developed to predict the effect of missense changes on protein structure and function output the following: SIFT: "Not Available"; PolyPhen-2: "Not Available"; Align-GVGD: "Not Available". The proline amino acid residue is found in multiple mammalian species, which suggests that this missense change does not adversely affect protein function. In summary, the available evidence is currently insufficient to determine the role of this variant in disease. Therefore, it has been classified as a Variant of Uncertain Significance.

NM_145290.4(ADGRA3):c.71T>C (p.Leu24Pro)

Gene: ADGRA3 (adhesion G protein-coupled receptor A3; minus strand). Cytogenetic location: 4p15.2.
Variant type: single nucleotide variant.
Coding change: c.71T>C on transcript NM_145290.4 (MANE Select); coding-DNA position 71, T replaced by C.
Protein change: p.Leu24Pro; replaces leucine 24 with proline.
Molecular consequence: missense variant.
Genome position (GRCh38, 1-based): chr4:22,515,714, A>G on the plus strand (T>C on the coding strand, the complement: ADGRA3 is on the minus strand). VCF-style: chr4-22515714-A-G. GRCh37 (hg19) VCF-style: chr4-22517337-A-G.
Other names: short protein forms L24P.
Identifiers: ClinVar variation 2853845 (VCV002853845.3), dbSNP rs2474931973, ClinGen allele CA356507907.